The following is an entry in ClinVar:

ClinVar aggregate classification (germline): Uncertain significance (1 of 4 stars; one submission).

Conditions:
Tuberous sclerosis 2 (TSC2). Identifiers: Orphanet 805, MedGen C1860707, MONDO:0013199, OMIM 613254.

Submission:

Labcorp Genetics (formerly Invitae), Labcorp
Classification: Uncertain significance for Tuberous sclerosis 2. Last evaluated: 2019-08-12. Review status: criteria provided, single submitter. Criteria: Invitae Variant Classification Sherloc (09022015). Collection method: clinical testing. Allele origin: germline.
Comment: In summary, the available evidence is currently insufficient to determine the role of this variant in disease. Therefore, it has been classified as a Variant of Uncertain Significance. Algorithms developed to predict the effect of missense changes on protein structure and function are either unavailable or do not agree on the potential impact of this missense change (SIFT: "Deleterious"; PolyPhen-2: "Probably Damaging"; Align-GVGD: "Class C0"). This variant has not been reported in the literature in individuals with TSC2-related conditions. This variant is not present in population databases (ExAC no frequency). This sequence change replaces glycine with alanine at codon 1642 of the TSC2 protein (p.Gly1642Ala). The glycine residue is highly conserved and there is a small physicochemical difference between glycine and alanine.

NM_000548.5(TSC2):c.4925G>C (p.Gly1642Ala)

Gene: TSC2 (TSC complex subunit 2; plus strand). Cytogenetic location: 16p13.3.
Variant type: single nucleotide variant.
Coding change: c.4925G>C on transcript NM_000548.5 (MANE Select); coding-DNA position 4925, G replaced by C.
Protein change: p.Gly1642Ala; replaces glycine 1642 with alanine.
Molecular consequence: missense variant.
Genome position (GRCh38, 1-based): chr16:2,086,807, G>C. VCF-style: chr16-2086807-G-C. GRCh37 (hg19) VCF-style: chr16-2136808-G-C.
Other names: c.4724G>C, p.Gly1575Ala (NM_001077183.3); c.4856G>C, p.Gly1619Ala (NM_001114382.3); c.4616G>C, p.Gly1539Ala (NM_001318827.2); c.4580G>C, p.Gly1527Ala (NM_001318829.2); c.4193G>C, p.Gly1398Ala (NM_001318831.2); c.4757G>C, p.Gly1586Ala (NM_001318832.2); c.4727G>C, p.Gly1576Ala (NM_001363528.2); c.4793G>C, p.Gly1598Ala (NM_001370404.1); and 1 more; short protein forms G1539A, G1598A, G1599A, G1642A, G1575A, G1398A, G1527A, G1576A.
Identifiers: ClinVar variation 960046 (VCV000960046.9), dbSNP rs137854343, ClinGen allele CA394308586.